The following is an entry in ClinVar:

ClinVar aggregate classification (germline): Uncertain significance (1 of 4 stars; one submission).

Conditions:
Cranium bifidum occultum. Also called: Enlarged Parietal Foramina; CATLIN MARKS; CRANIUM BIFIDUM, HEREDITARY. Identifiers: MedGen C1868598, HP:0004423.

gnomAD v4.1: 3 of 1,610,604 alleles (0.00019%); highest among the groups gnomAD compares: Middle Eastern, 0.017%; no homozygotes.

Submission:

Labcorp Genetics (formerly Invitae), Labcorp
Classification: Uncertain significance for Cranium bifidum occultum. Last evaluated: 2023-09-05. Review status: criteria provided, single submitter. Criteria: Invitae Variant Classification Sherloc (09022015). Collection method: clinical testing. Allele origin: germline.
Comment: In summary, the available evidence is currently insufficient to determine the role of this variant in disease. Therefore, it has been classified as a Variant of Uncertain Significance. Advanced modeling of protein sequence and biophysical properties (such as structural, functional, and spatial information, amino acid conservation, physicochemical variation, residue mobility, and thermodynamic stability) performed at Invitae indicates that this missense variant is not expected to disrupt MSX2 protein function. This variant has not been reported in the literature in individuals affected with MSX2-related conditions. This variant is not present in population databases (gnomAD no frequency). This sequence change replaces arginine, which is basic and polar, with glycine, which is neutral and non-polar, at codon 121 of the MSX2 protein (p.Arg121Gly).

NM_002449.5(MSX2):c.361C>G (p.Arg121Gly)

Gene: MSX2 (msh homeobox 2; plus strand). Cytogenetic location: 5q35.2.
Variant type: single nucleotide variant.
Coding change: c.361C>G on transcript NM_002449.5 (MANE Select); coding-DNA position 361, C replaced by G.
Protein change: p.Arg121Gly; replaces arginine 121 with glycine.
Molecular consequence: missense variant.
Genome position (GRCh38, 1-based): chr5:174,725,020, C>G. VCF-style: chr5-174725020-C-G. GRCh37 (hg19) VCF-style: chr5-174152023-C-G.
Other names: c.361C>G, p.Arg121Gly (NM_001363626.2); short protein forms R121G.
Identifiers: ClinVar variation 2758262 (VCV002758262.3), dbSNP rs745449870, ClinGen allele CA362229652.
Genomic context (GRCh38, chr5:174,725,020, plus strand): 5'-ACCGCCTCGGTCAAGTCGGAAAATTCAGAAGATGGAGCGGCGTGGATGCAGGAACCCGGC[C>G]GATATTCGCCGCCGCCAAGTGAGTGCGCGCCGGGGCAGGAGTAGGAGGTAGCGCGGGGTA-3'
Protein context (NP_002440.2, residues 111-131): DGAAWMQEPG[Arg121Gly]YSPPPRHMSP